The following is an entry in ClinVar:

ClinVar aggregate classification (germline): Uncertain significance (1 of 4 stars; one submission).

Allele frequency attached by ClinVar (database versions not stated): gnomAD exomes 0.00001.
gnomAD v4.1: 14 of 1,613,470 alleles (0.00087%); highest among the groups gnomAD compares: Non-Finnish European, 0.0011%; no homozygotes.

Submission:

GeneDx
Classification: Uncertain significance. Last evaluated: 2019-08-02. Review status: criteria provided, single submitter. Criteria: GeneDx Variant Classification Process June 2021. Collection method: clinical testing. Allele origin: germline. Affected: yes.
Comment: Not observed in large population cohorts (Lek et al., 2016); In silico analysis, which includes protein predictors and evolutionary conservation, supports a deleterious effect; Has not been previously published as pathogenic or benign to our knowledge

NM_012463.4(ATP6V0A2):c.1355A>C (p.Tyr452Ser)

Gene: ATP6V0A2 (ATPase H+ transporting V0 subunit a2; plus strand). Cytogenetic location: 12q24.31.
Variant type: single nucleotide variant.
Coding change: c.1355A>C on transcript NM_012463.4 (MANE Select); coding-DNA position 1355, A replaced by C.
Protein change: p.Tyr452Ser; replaces tyrosine 452 with serine.
Molecular consequence: missense variant.
Genome position (GRCh38, 1-based): chr12:123,744,625, A>C. VCF-style: chr12-123744625-A-C. GRCh37 (hg19) VCF-style: chr12-124229172-A-C.
Other names: short protein forms Y452S.
Identifiers: ClinVar variation 1307521 (VCV001307521.2), dbSNP rs1956641918, ClinGen allele CA387157363.